The following is an entry in ClinVar:

ClinVar aggregate classification (germline): Uncertain significance. Review status: criteria provided, multiple submitters, no conflicts (2 of 4 stars). 6 submissions from 6 submitters: Uncertain significance (6). Last evaluated 2024-05-01.

Conditions:
3-Methylglutaconic aciduria type 2 (BTHS). Also called: CARDIOSKELETAL MYOPATHY WITH NEUTROPENIA AND ABNORMAL MITOCHONDRIA; Barth syndrome. Identifiers: Orphanet 111, MedGen C0574083, MONDO:0010543, OMIM 302060.
Left ventricular noncompaction cardiomyopathy. Also called: left ventricular non-compaction cardiomyopathy. Identifiers: MedGen C4021133, HP:0011664.

Allele frequency attached by ClinVar (database versions not stated): gnomAD exomes below 0.00001; ExAC below 0.00001.
gnomAD v4.1: 3 of 1,203,571 alleles (0.00025%); highest among the groups gnomAD compares: Non-Finnish European, 0.00022%; no homozygotes.

Submissions (6):

CeGaT Center for Human Genetics Tuebingen
Classification: Uncertain significance. Last evaluated: 2024-05-01. Review status: criteria provided, single submitter. Criteria: CeGaT Center For Human Genetics Tuebingen Variant Classification Criteria Version 2. Collection method: clinical testing. Allele origin: germline. Affected: yes. Observed: 2 variant alleles.
Comment: TAFAZZIN: PM2

Labcorp Genetics (formerly Invitae), Labcorp
Classification: Uncertain significance for 3-Methylglutaconic aciduria type 2. Last evaluated: 2023-08-08. Review status: criteria provided, single submitter. Criteria: Invitae Variant Classification Sherloc (09022015). Collection method: clinical testing. Allele origin: germline.
Comment: In summary, the available evidence is currently insufficient to determine the role of this variant in disease. Therefore, it has been classified as a Variant of Uncertain Significance. An algorithm developed to predict the effect of missense changes on protein structure and function (PolyPhen-2) suggests that this variant is likely to be disruptive. ClinVar contains an entry for this variant (Variation ID: 691831). This missense change has been observed in individual(s) with cardiomyopathy (PMID: 31568572). This variant is not present in population databases (gnomAD no frequency). This sequence change replaces proline, which is neutral and non-polar, with arginine, which is basic and polar, at codon 10 of the TAZ protein (p.Pro10Arg).

Department of Pathology and Laboratory Medicine, Sinai Health System
Classification: Uncertain significance for Barth syndrome. Last evaluated: 2023-03-15. Review status: criteria provided, single submitter. Criteria: ACMG Guidelines, 2015. Collection method: research. Allele origin: germline.

Revvity Omics, Revvity
Classification: Uncertain significance for 3-Methylglutaconic aciduria type 2. Last evaluated: 2021-03-04. Review status: criteria provided, single submitter. Criteria: ACMG Guidelines, 2015. Collection method: clinical testing. Allele origin: germline.

Genomic Research Center, Shahid Beheshti University of Medical Sciences
Classification: Uncertain significance for 3-Methylglutaconic aciduria type 2. Last evaluated: 2020-05-03. Review status: criteria provided, single submitter. Criteria: ACMG Guidelines, 2015. Collection method: clinical testing. Allele origin: unknown. Affected: yes.

Klaassen Lab, Charite University Medicine Berlin
Classification: Uncertain significance for Left ventricular noncompaction cardiomyopathy. Last evaluated: 2019-07-03. Review status: criteria provided, single submitter. Criteria: ACMG Guidelines, 2015. Collection method: research. Allele origin: germline. Affected: yes.

Literature cited by the submitters: PubMed 31568572 (cited by Labcorp Genetics (formerly Invitae), Labcorp and Klaassen Lab, Charite University Medicine Berlin); PubMed 31333075 (cited by Klaassen Lab, Charite University Medicine Berlin).

NM_000116.5(TAFAZZIN):c.29C>G (p.Pro10Arg)

Genes: DNASE1L1 (deoxyribonuclease 1 like 1; minus strand), TAFAZZIN (tafazzin, phospholipid-lysophospholipid transacylase; plus strand), LOC130068869 (ATAC-STARR-seq lymphoblastoid silent region 21101; plus strand). Cytogenetic location: Xq28.
Variant type: single nucleotide variant.
Coding change: c.29C>G on transcript NM_000116.5 (MANE Select); coding-DNA position 29, C replaced by G.
Protein change: p.Pro10Arg; replaces proline 10 with arginine.
Molecular consequence: missense variant. On other transcripts: non-coding transcript variant (1), intron variant (3).
Genome position (GRCh38, 1-based): chrX:154,411,872, C>G. VCF-style: chrX-154411872-C-G. GRCh37 (hg19) VCF-style: chrX-153640209-C-G.
Other names: c.29C>G, p.Pro10Arg (NM_001303465.2, NM_001410698.1, NM_001440856.1 and 5 more transcripts); c.-88+19G>C (NM_001009934.3); c.-173+19G>C (NM_001009933.3); c.-431+19G>C (NM_001009932.3); short protein forms P10R.
Identifiers: ClinVar variation 691831 (VCV000691831.40), dbSNP rs781941217, ClinGen allele CA10562260.